The following is an entry in ClinVar:

NM_004752.4(GCM2):c.1299G>A (p.Pro433=)

Gene: GCM2 (GCM transcription factor 2; minus strand). Cytogenetic location: 6p24.2.
Variant type: single nucleotide variant.
Coding change: c.1299G>A on transcript NM_004752.4 (MANE Select); coding-DNA position 1299, G replaced by A.
Protein change: p.Pro433=; no amino-acid change (proline 433 retained).
Molecular consequence: synonymous variant.
Genome position (GRCh38, 1-based): chr6:10,874,217, C>T on the plus strand (G>A on the coding strand, the complement: GCM2 is on the minus strand). VCF-style: chr6-10874217-C-T. GRCh37 (hg19) VCF-style: chr6-10874450-C-T.
Other names: c.1299G>A (NM_004752.3).
Identifiers: ClinVar variation 2146946 (VCV002146946.5), dbSNP rs527620122, ClinGen allele CA3633907.
Genomic context (GRCh38, chr6:10,874,217, plus strand): 5'-ATCTCCTGCAATTTTCATAGGAGGTGGCCCTGAAGGAGAGGCTGCCCTGGTGACTGTCAC[C>T]GGAGGACCCCAGGGTTCTGGATAGACAGACATCCCAGTATCTTCAGGAGCATAGTTACAG-3'
Protein context (NP_004743.1, residues 423-443): MSVYPEPWGP[Pro433=]VTVTRAASPS

ClinVar aggregate classification (germline): Likely benign. Review status: criteria provided, multiple submitters, no conflicts (2 of 4 stars). 2 submissions from 2 submitters: Likely benign (2). Last evaluated 2026-02-25.

Conditions:
GCM2-related disorder. Also called: GCM2-related condition.

Allele frequency attached by ClinVar (database versions not stated): TOPMed 0.00002; ExAC 0.00004; gnomAD 0.00007.
gnomAD v4.1: 35 of 1,614,184 alleles (0.0022%); highest among the groups gnomAD compares: African/African-American, 0.0053%; no homozygotes.

Submissions (2):

PreventionGenetics, part of Exact Sciences
Classification: Likely benign for GCM2-related condition. Last evaluated: 2026-02-25. Review status: criteria provided, single submitter. Criteria: ACMG Guidelines, 2015. Collection method: clinical testing. Allele origin: germline.
Comment: This variant is classified as likely benign based on ACMG/AMP sequence variant interpretation guidelines (Richards et al. 2015 PMID: 25741868, with internal and published modifications).

Labcorp Genetics (formerly Invitae), Labcorp
Classification: Likely benign. Last evaluated: 2026-01-08. Review status: criteria provided, single submitter. Criteria: Invitae Variant Classification Sherloc (09022015). Collection method: clinical testing. Allele origin: germline.